The following is an entry in ClinVar:

NM_006766.5(KAT6A):c.5984A>G (p.Gln1995Arg)

Gene: KAT6A (lysine acetyltransferase 6A; minus strand). Cytogenetic location: 8p11.21.
Variant type: single nucleotide variant.
Coding change: c.5984A>G on transcript NM_006766.5 (MANE Select); coding-DNA position 5984, A replaced by G.
Protein change: p.Gln1995Arg; replaces glutamine 1995 with arginine.
Molecular consequence: missense variant.
Genome position (GRCh38, 1-based): chr8:41,932,236, T>C on the plus strand (A>G on the coding strand, the complement: KAT6A is on the minus strand). VCF-style: chr8-41932236-T-C. GRCh37 (hg19) VCF-style: chr8-41789754-T-C.
Other names: short protein forms Q1995R.
Identifiers: ClinVar variation 1750857 (VCV001750857.2), dbSNP rs2486749870, ClinGen allele CA371059880.

ClinVar aggregate classification (germline): Uncertain significance (1 of 4 stars; one submission).

Conditions:
Inborn genetic diseases. Identifiers: MedGen C0950123, MeSH D030342.

Submission:

Ambry Genetics
Classification: Uncertain significance for Inborn genetic diseases. Last evaluated: 2024-02-05. Review status: criteria provided, single submitter. Criteria: Ambry Variant Classification Scheme 2023. Collection method: clinical testing. Allele origin: germline.
Comment: The p.Q1995R variant (also known as c.5984A>G), located in coding exon 16 of the KAT6A gene, results from an A to G substitution at nucleotide position 5984. The glutamine at codon 1995 is replaced by arginine, an amino acid with highly similar properties. This amino acid position is highly conserved in available vertebrate species. In addition, the in silico prediction for this alteration is inconclusive. Since supporting evidence is limited at this time, the clinical significance of this alteration remains unclear.